The following is an entry in ClinVar:

NM_001009944.3(PKD1):c.560A>G (p.Asn187Ser)

Gene: PKD1 (polycystin 1, transient receptor potential channel interacting; minus strand). Cytogenetic location: 16p13.3.
Variant type: single nucleotide variant.
Coding change: c.560A>G on transcript NM_001009944.3 (MANE Select); coding-DNA position 560, A replaced by G.
Protein change: p.Asn187Ser; replaces asparagine 187 with serine.
Molecular consequence: missense variant.
Genome position (GRCh38, 1-based): chr16:2,118,432, T>C on the plus strand (A>G on the coding strand, the complement: PKD1 is on the minus strand). VCF-style: chr16-2118432-T-C. GRCh37 (hg19) VCF-style: chr16-2168433-T-C.
Other names: c.560A>G, p.Asn187Ser (NM_000296.4); short protein forms N187S.
Identifiers: ClinVar variation 4995456 (VCV004995456.2).

ClinVar aggregate classification (germline): Uncertain significance. Review status: criteria provided, multiple submitters, no conflicts (2 of 4 stars). 2 submissions from 2 submitters: Uncertain significance (2). Last evaluated 2026-04-16.

Conditions:
PKD1-related disorder. Also called: PKD1-related condition.

gnomAD v4.1: 3 of 1,229,114 alleles (0.00024%); highest among the groups gnomAD compares: African/African-American, 0.0015%; no homozygotes.

Submissions (2):

GeneDx
Classification: Uncertain significance. Last evaluated: 2026-04-16. Review status: criteria provided, single submitter. Criteria: GeneDx Variant Classification Process June 2021. Collection method: clinical testing. Allele origin: germline.
Comment: Not observed at significant frequency in large population cohorts (gnomAD); In silico analysis suggests that this missense variant does not alter protein structure/function; In silico analysis suggests this variant may impact gene splicing. In the absence of RNA/functional studies, the actual effect of this sequence change is unknown.; Has not been previously published as pathogenic or benign to our knowledge

PreventionGenetics, part of Exact Sciences
Classification: Uncertain significance for PKD1-related condition. Last evaluated: 2024-12-18. Review status: criteria provided, single submitter. Criteria: ACMG Guidelines, 2015. Collection method: clinical testing. Allele origin: germline.
Comment: The PKD1 c.560A>G variant is predicted to result in the amino acid substitution p.Asn187Ser. To our knowledge, this variant has not been reported in the literature or in a large population database (gnomAD), indicating this variant is rare. At this time, the clinical significance of this variant is uncertain due to the absence of conclusive functional and genetic evidence.